The following is an entry in ClinVar:

ClinVar aggregate classification (germline): Uncertain significance. Review status: criteria provided, multiple submitters, no conflicts (2 of 4 stars). 2 submissions from 2 submitters: Uncertain significance (2). Last evaluated 2026-01-09.

Conditions:
CHARGE syndrome (CHARGE). Also called: Hittner Hirsch Kreh syndrome; CHARGE ASSOCIATION--COLOBOMA, HEART ANOMALY, CHOANAL ATRESIA, RETARDATION, GENITAL AND EAR ANOMALIES; Coloboma, heart anomaly, choanal atresia, retardation, genital and ear anomalies; CHARGE association; Hall-Hittner syndrome. Identifiers: Orphanet 138, MedGen C0265354, MONDO:0008965.
Inborn genetic diseases. Identifiers: MedGen C0950123, MeSH D030342.

gnomAD v4.1: 6 of 1,613,738 alleles (0.00037%); highest among the groups gnomAD compares: African/African-American, 0.0067%; no homozygotes.

Submissions (2):

Labcorp Genetics (formerly Invitae), Labcorp
Classification: Uncertain significance for CHARGE syndrome. Last evaluated: 2026-01-09. Review status: criteria provided, single submitter. Criteria: Invitae Variant Classification Sherloc (09022015). Collection method: clinical testing. Allele origin: germline.
Comment: This sequence change replaces threonine, which is neutral and polar, with alanine, which is neutral and non-polar, at codon 760 of the CHD7 protein (p.Thr760Ala). This variant is not present in population databases (gnomAD no frequency). This variant has not been reported in the literature in individuals affected with CHD7-related conditions. ClinVar contains an entry for this variant (Variation ID: 4227891). Invitae Evidence Modeling of protein sequence and biophysical properties (such as structural, functional, and spatial information, amino acid conservation, physicochemical variation, residue mobility, and thermodynamic stability) indicates that this missense variant is not expected to disrupt CHD7 protein function with a negative predictive value of 95%. In summary, the available evidence is currently insufficient to determine the role of this variant in disease. Therefore, it has been classified as a Variant of Uncertain Significance.

Ambry Genetics
Classification: Uncertain significance for Inborn genetic diseases. Last evaluated: 2025-08-11. Review status: criteria provided, single submitter. Criteria: Ambry Variant Classification Scheme 2023. Collection method: clinical testing. Allele origin: germline.

NM_017780.4(CHD7):c.2278A>G (p.Thr760Ala)

Gene: CHD7 (chromodomain helicase DNA binding protein 7; plus strand). Cytogenetic location: 8q12.2.
Variant type: single nucleotide variant.
Coding change: c.2278A>G on transcript NM_017780.4 (MANE Select); coding-DNA position 2278, A replaced by G.
Protein change: p.Thr760Ala; replaces threonine 760 with alanine.
Molecular consequence: missense variant. On other transcripts: intron variant (1).
Genome position (GRCh38, 1-based): chr8:60,800,427, A>G. VCF-style: chr8-60800427-A-G. GRCh37 (hg19) VCF-style: chr8-61712986-A-G.
Other names: c.1716+19377A>G (NM_001316690.1); short protein forms T760A.
Identifiers: ClinVar variation 4227891 (VCV004227891.2).